The following is an entry in ClinVar:

NM_000407.5(GP1BB):c.317_320dup (p.Glu109fs)

Genes: GP1BB (glycoprotein Ib platelet subunit beta; plus strand), SEPT5-GP1BB (SEPT5-GP1BB readthrough; plus strand). Cytogenetic location: 22q11.21.
Variant type: Microsatellite.
Coding change: c.317_320dup on transcript NM_000407.5 (MANE Select); coding-DNA positions 317 to 320, 4 bases duplicated (GCCG; older notation c.317_320dupGCCG).
Protein change: p.Glu109fs; shifts the reading frame from glutamic acid 109.
Molecular consequence: frameshift variant. On other transcripts: non-coding transcript variant (2).
Genome position (GRCh38, 1-based): chr22:19,724,160-19,724,163, GCCG duplicated; duplicating any 4 consecutive bases within chr22:19,724,155-19,724,163 gives the same sequence; the c. name uses the placement nearest the transcript's 3' end. VCF-style (leftmost placement, unchanged base first): chr22-19724154-T-TGGCC. GRCh37 (hg19) VCF-style: chr22-19711677-T-TGGCC.
Other names: short protein forms E109fs.
Identifiers: ClinVar variation 1691255 (VCV001691255.1), dbSNP rs2145796221, ClinGen allele CA2580615244.
Genomic context (GRCh38, chr22:19,724,154, plus strand): 5'-CACACCTGGGCGCCAACCCCTGGCGCTGCGACTGCCGCCTTGTGCCGCTGCGCGCCTGGC[T>TGGCC]GGCCGGCCGCCCCGAGCGTGCGCCCTACCGCGACCTGCGTTGCGTGGCGCCCCCAGCGCT-3'

ClinVar aggregate classification (germline): Pathogenic (0 of 4 stars; one submission).

Conditions:
Bernard Soulier syndrome (BSS). Also called: BLEEDING DISORDER, PLATELET-TYPE, 1; GLYCOPROTEIN Ib, PLATELET, DEFICIENCY OF; Platelet Glycoprotein 1b, Deficiency of; Giant platelet syndrome; Hemorrhagiparous thrombocytic dystrophy; Giant platelet disease. Identifiers: Orphanet 274, MedGen C0005129, MeSH D001606, MONDO:0009276, OMIM 231200.

Submission:

ISTH-SSC Genomics in Thrombosis and Hemostasis, KU Leuven, Center for Molecular and Vascular Biology
Classification: Pathogenic for Bernard Soulier syndrome. Review status: no assertion criteria provided. Collection method: research. Allele origin: unknown. Affected: yes.
Comment: Submitted to GoldVariant by Dr Marie-Christine Morel-Kopp from Northern Blood Research Centre, Sydney, Australia